The following is an entry in ClinVar:

ClinVar aggregate classification (germline): Uncertain significance (1 of 4 stars; one submission).

Submission:

Labcorp Genetics (formerly Invitae), Labcorp
Classification: Uncertain significance. Last evaluated: 2021-11-08. Review status: criteria provided, single submitter. Criteria: Invitae Variant Classification Sherloc (09022015). Collection method: clinical testing. Allele origin: germline.
Comment: This sequence change replaces tyrosine, which is neutral and polar, with histidine, which is basic and polar, at codon 403 of the BCS1L protein (p.Tyr403His). This variant is not present in population databases (gnomAD no frequency). This variant has not been reported in the literature in individuals affected with BCS1L-related conditions. Advanced modeling of protein sequence and biophysical properties (such as structural, functional, and spatial information, amino acid conservation, physicochemical variation, residue mobility, and thermodynamic stability) performed at Invitae indicates that this missense variant is not expected to disrupt BCS1L protein function. In summary, the available evidence is currently insufficient to determine the role of this variant in disease. Therefore, it has been classified as a Variant of Uncertain Significance.

NM_001079866.2(BCS1L):c.1207T>C (p.Tyr403His)

Gene: BCS1L (BCS1 ubiquinol-cytochrome c reductase complex chaperone; plus strand). Cytogenetic location: 2q35.
Variant type: single nucleotide variant.
Coding change: c.1207T>C on transcript NM_001079866.2 (MANE Select); coding-DNA position 1207, T replaced by C.
Protein change: p.Tyr403His; replaces tyrosine 403 with histidine.
Molecular consequence: missense variant. On other transcripts: non-coding transcript variant (1).
Genome position (GRCh38, 1-based): chr2:218,663,333, T>C. VCF-style: chr2-218663333-T-C. GRCh37 (hg19) VCF-style: chr2-219528056-T-C.
Other names: c.1207T>C, p.Tyr403His (NM_001257342.2, NM_001257343.2, NM_001257344.2 and 10 more transcripts); c.847T>C, p.Tyr283His (NM_001318836.2, NM_001371451.1); c.706T>C, p.Tyr236His (NM_001371452.1, NM_001371453.1, NM_001371454.1 and 3 more transcripts); short protein forms Y283H, Y236H, Y403H.
Identifiers: ClinVar variation 1387381 (VCV001387381.6), dbSNP rs2106333014, ClinGen allele CA350632860.
Genomic context (GRCh38, chr2:218,663,333, plus strand): 5'-CATGTCCTTCGAGCTACAAACCAGATCAGTCCTGCCCAGGTGCAGGGCTACTTCATGCTG[T>C]ATAAAAATGACCCTGTAGGGGCAATTCACAATGCTGAGTCTCTGAGGAGGTGATCAGGCT-3'
Protein context (NP_001073335.1, residues 393-413): PAQVQGYFML[Tyr403His]KNDPVGAIHN